The following is an entry in ClinVar:

NM_000379.4(XDH):c.3662A>G (p.His1221Arg)

Gene: XDH (xanthine dehydrogenase; minus strand). Cytogenetic location: 2p23.1.
Variant type: single nucleotide variant.
Coding change: c.3662A>G on transcript NM_000379.4 (MANE Select); coding-DNA position 3662, A replaced by G.
Protein change: p.His1221Arg; replaces histidine 1221 with arginine.
Molecular consequence: missense variant.
Genome position (GRCh38, 1-based): chr2:31,339,601, T>C on the plus strand (A>G on the coding strand, the complement: XDH is on the minus strand). VCF-style: chr2-31339601-T-C. GRCh37 (hg19) VCF-style: chr2-31562467-T-C.
Other names: short protein forms H1221R.
Identifiers: ClinVar variation 895510 (VCV000895510.4), dbSNP rs376191022, ClinGen allele CA346494818.
Genomic context (GRCh38, chr2:31,339,601, plus strand): 5'-CTGAACTCAATGGGGATGCTGCCAAATGCCGGGATCTTGTAGGTGCTAGGGCCACGGGTG[T>C]GCAGGCTCCCCTCGGGGGAATAGTGTAGCTCCTCTAGGGTGAAGAGGCCAAGGCCCTGGA-3'
Protein context (NP_000370.2, residues 1211-1231): ELHYSPEGSL[His1221Arg]TRGPSTYKIP

ClinVar aggregate classification (germline): Uncertain significance (1 of 4 stars; one submission).

Conditions:
Hereditary xanthinuria type 1 (XAN1). Identifiers: Orphanet 3467, Orphanet 93601, MedGen C0268118, MONDO:0010209, OMIM 278300.

Allele frequency attached by ClinVar (database versions not stated): gnomAD exomes 0.00001 and 0.00008.
gnomAD v4.1: 53 of 1,614,004 alleles (0.0033%); highest among the groups gnomAD compares: East Asian, 0.11%; no homozygotes.

Submission:

Illumina Laboratory Services, Illumina
Classification: Uncertain significance for Hereditary xanthinuria type 1. Last evaluated: 2017-06-15. Review status: criteria provided, single submitter. Criteria: ICSL Variant Classification Criteria 13 December 2019. Collection method: clinical testing. Allele origin: germline.
Comment: This variant was observed as part of a predisposition screen in an ostensibly healthy population. A literature search was performed for the gene, cDNA change, and amino acid change (where applicable). Publications were found based on this search. However, the evidence from the literature, in combination with allele frequency data from public databases where available, was not sufficient to rule this variant in or out of causing disease. Therefore, this variant is classified as a variant of unknown significance.

Literature cited by the submitters: PubMed 21963464; PubMed 22421815; PubMed 23203137; PubMed 20814157; PubMed 26863601; PubMed 18300946.